The following is an entry in ClinVar:

ClinVar aggregate classification (germline): Uncertain significance (1 of 4 stars; one submission).

Allele frequency attached by ClinVar (database versions not stated): gnomAD exomes below 0.00001.
gnomAD v4.1: 5 of 1,613,958 alleles (0.00031%); highest among the groups gnomAD compares: Non-Finnish European, 0.00042%; no homozygotes.

Submission:

Labcorp Genetics (formerly Invitae), Labcorp
Classification: Uncertain significance. Last evaluated: 2021-11-03. Review status: criteria provided, single submitter. Criteria: Invitae Variant Classification Sherloc (09022015). Collection method: clinical testing. Allele origin: germline.
Comment: In summary, the available evidence is currently insufficient to determine the role of this variant in disease. Therefore, it has been classified as a Variant of Uncertain Significance. Algorithms developed to predict the effect of missense changes on protein structure and function are either unavailable or do not agree on the potential impact of this missense change (SIFT: "Deleterious"; PolyPhen-2: "Possibly Damaging"; Align-GVGD: "Class C15"). This variant has not been reported in the literature in individuals affected with KIAA1549-related conditions. This variant is not present in population databases (gnomAD no frequency). This sequence change replaces valine, which is neutral and non-polar, with glutamic acid, which is acidic and polar, at codon 1807 of the KIAA1549 protein (p.Val1807Glu).

NM_001164665.2(KIAA1549):c.5420T>A (p.Val1807Glu)

Gene: KIAA1549 (KIAA1549; minus strand). Cytogenetic location: 7q34.
Variant type: single nucleotide variant.
Coding change: c.5420T>A on transcript NM_001164665.2 (MANE Select); coding-DNA position 5420, T replaced by A.
Protein change: p.Val1807Glu; replaces valine 1807 with glutamic acid.
Molecular consequence: missense variant.
Genome position (GRCh38, 1-based): chr7:138,844,349, A>T on the plus strand (T>A on the coding strand, the complement: KIAA1549 is on the minus strand). VCF-style: chr7-138844349-A-T. GRCh37 (hg19) VCF-style: chr7-138529094-A-T.
Other names: c.5420T>A, p.Val1807Glu (NM_020910.3); short protein forms V1807E.
Identifiers: ClinVar variation 1390242 (VCV001390242.6), dbSNP rs759851100, ClinGen allele CA167137901.